The following is an entry in ClinVar:

NM_003073.5(SMARCB1):c.384C>G (p.Asn128Lys)

Gene: SMARCB1 (SWI/SNF related BAF chromatin remodeling complex subunit B1; plus strand). Cytogenetic location: 22q11.23.
Variant type: single nucleotide variant.
Coding change: c.384C>G on transcript NM_003073.5 (MANE Select); coding-DNA position 384, C replaced by G.
Protein change: p.Asn128Lys; replaces asparagine 128 with lysine.
Molecular consequence: missense variant.
Genome position (GRCh38, 1-based): chr22:23,800,965, C>G. VCF-style: chr22-23800965-C-G. GRCh37 (hg19) VCF-style: chr22-24143152-C-G.
Other names: c.357C>G, p.Asn119Lys (NM_001007468.3, NM_001317946.2); c.384C>G, p.Asn128Lys (NM_001362877.2); short protein forms N119K, N128K.
Identifiers: ClinVar variation 4886210 (VCV004886210.2).

ClinVar aggregate classification (germline): Uncertain significance (1 of 4 stars; one submission).

Submission:

Dasa
Classification: Uncertain significance. Last evaluated: 2025-12-03. Review status: criteria provided, single submitter. Criteria: DASA Assertion Criteria. Collection method: clinical testing. Allele origin: germline.
Comment: NM_003073.5(SMARCB1):c.384C>G (p.Asn128Lys) is a missense variant that results in the substitution of asparagine with lysine. This variant is absent from population databases. The currently available literature and clinical evidence are not sufficient to establish a definitive association between this variant and the reported condition. Therefore, this variant is classified as a variant of uncertain significance.